The following is an entry in ClinVar:

NM_005535.3(IL12RB1):c.467G>A (p.Arg156His)

Gene: IL12RB1 (interleukin 12 receptor subunit beta 1; minus strand). Cytogenetic location: 19p13.11.
Variant type: single nucleotide variant.
Coding change: c.467G>A on transcript NM_005535.3 (MANE Select); coding-DNA position 467, G replaced by A.
Protein change: p.Arg156His; replaces arginine 156 with histidine.
Molecular consequence: missense variant.
Genome position (GRCh38, 1-based): chr19:18,077,598, C>T on the plus strand (G>A on the coding strand, the complement: IL12RB1 is on the minus strand). VCF-style: chr19-18077598-C-T. GRCh37 (hg19) VCF-style: chr19-18188408-C-T.
Other names: c.467G>A, p.Arg156His (NM_001290023.2, NM_153701.3); c.587G>A, p.Arg196His (NM_001290024.2); short protein forms R156H, R196H.
Identifiers: ClinVar variation 328598 (VCV000328598.21), dbSNP rs11575926, ClinGen allele CA9305204.

ClinVar aggregate classification (germline): Benign/Likely benign. Review status: criteria provided, multiple submitters, no conflicts (2 of 4 stars). 8 submissions from 8 submitters: Benign (3); Likely benign (3). 2 of the submissions do not count toward it. Last evaluated 2026-02-04.

Conditions:
Immunodeficiency 27A (IMD27A). Also called: IMMUNODEFICIENCY 27A, MYCOBACTERIOSIS, AUTOSOMAL RECESSIVE; IFNGR1 DEFICIENCY, AUTOSOMAL RECESSIVE. Identifiers: Orphanet 319569, Orphanet 99898, MedGen C4011949, MONDO:0008856, OMIM 209950.
Mendelian susceptibility to mycobacterial diseases due to complete IL12RB1 deficiency. Also called: IL12RB1 DEFICIENCY; Immunodeficiency 30. Identifiers: Orphanet 319552, MedGen C4013949, MONDO:0013955, OMIM 614891.

Allele frequency attached by ClinVar (database versions not stated): 1000 Genomes Project 0.05591; 1000 Genomes Project 30x 0.05668; TOPMed 0.10810; gnomAD 0.11978 and 0.12190; gnomAD exomes 0.12678 and 0.16312; ESP Exome Variant Server 0.12702; ExAC 0.12824.
gnomAD v4.1: 253,182 of 1,597,014 alleles (16%); highest among the groups gnomAD compares: Non-Finnish European, 18%; 22,380 homozygotes.

Submissions (8):

Labcorp Genetics (formerly Invitae), Labcorp
Classification: Benign for Mendelian susceptibility to mycobacterial diseases due to complete IL12RB1 deficiency. Last evaluated: 2026-02-04. Review status: criteria provided, single submitter. Criteria: Invitae Variant Classification Sherloc (09022015). Collection method: clinical testing. Allele origin: germline.

Blueprint Genetics
Classification: Likely benign. Last evaluated: 2024-11-28. Review status: criteria provided, single submitter. Criteria: ACMG Guidelines, 2015. Collection method: clinical testing. Allele origin: germline.

Illumina Laboratory Services, Illumina
Classification: Benign for Mendelian susceptibility to mycobacterial diseases due to complete IL12RB1 deficiency. Last evaluated: 2018-01-13. Review status: criteria provided, single submitter. Criteria: ICSL Variant Classification Criteria 13 December 2019. Collection method: clinical testing. Allele origin: germline.
Comment: This variant was observed in the ICSL laboratory as part of a predisposition screen in an ostensibly healthy population. It had not been previously curated by ICSL or reported in the Human Gene Mutation Database (HGMD: prior to June 1st, 2018), and was therefore a candidate for classification through an automated scoring system. Utilizing variant allele frequency, disease prevalence and penetrance estimates, and inheritance mode, an automated score was calculated to assess if this variant is too frequent to cause the disease. Based on the score and internal cut-off values, a variant classified as benign is not then subjected to further curation. The score for this variant resulted in a classification of benign for this disease.

Laboratory for Molecular Medicine, Mass General Brigham Personalized Medicine
Classification: Benign. Last evaluated: 2016-03-29. Review status: criteria provided, single submitter. Criteria: LMM Criteria. Collection method: clinical testing. Allele origin: germline.
Comment: Variant identified in a genome or exome case(s) and assessed due to predicted null impact of the variant or pathogenic assertions in the literature or databases. Disclaimer: This variant has not undergone full assessment. The following are preliminary notes: Frequency

Genome Diagnostics Laboratory, University Medical Center Utrecht
Classification: Likely benign for Immunodeficiency 27A. Last evaluated: 2015-12-09. Review status: criteria provided, single submitter. Criteria: ACGS Guidelines, 2013. Collection method: clinical testing. Allele origin: germline. Affected: yes. Study: VKGL Data-share Consensus.

Breakthrough Genomics
Classification: Likely benign. Review status: criteria provided, single submitter. Criteria: ACMG Guidelines, 2015. Collection method: not provided. Allele origin: germline. Inheritance: Autosomal recessive inheritance. Affected: yes.

Diagnostic Laboratory, Department of Genetics, University Medical Center Groningen
Classification: Benign for Immunodeficiency 27A. Review status: no assertion criteria provided. Collection method: clinical testing. Allele origin: germline. Affected: yes. Study: VKGL Data-share Consensus. Not counted in ClinVar's aggregate classification.

Joint Genome Diagnostic Labs from Nijmegen and Maastricht, Radboudumc and MUMC+
Classification: Benign. Review status: no assertion criteria provided. Collection method: clinical testing. Allele origin: germline. Affected: yes. Study: VKGL Data-share Consensus. Not counted in ClinVar's aggregate classification.